The following continues an entry in ClinVar:

NM_000166.6(GJB1):c.65G>A (p.Arg22Gln)

Gene: GJB1. ClinVar aggregate classification (germline): Pathogenic/Likely pathogenic. Pathogenic (11); Likely pathogenic (2).

Submissions 13 to 16 of 16:

Rady Children's Institute for Genomic Medicine, Rady Children's Hospital San Diego
Classification: Likely pathogenic for CHARCOT-MARIE-TOOTH DISEASE, X-LINKED DOMINANT, 1. Last evaluated: 2019-02-20. Review status: criteria provided, single submitter. Criteria: ACMG Guidelines, 2015. Collection method: clinical testing. Allele origin: germline. Affected: yes. Observed: 1 variant allele.
Comment: This variant has been previously reported as heterozygous or hemizygous change in patients with Charcot-Marie-Tooth disease (PMID: 7580242, 12542510). The variant has been reported as pathogenic by two clinical laboratories in the ClinVar database (SCV000544775, SCV000613500). In vitro studies on the functional impact of the p.Arg22Gln variant are conflicting (PMID: 11393532, 15006706). It is absent from the ExAC and gnomAD population databases and thus is presumed to be rare. The c.65G>A (p.Arg22Gln) variant affects a highly conserved amino acid and is predicted by multiple in silico tools to have a deleterious effect on protein function. Based on the available evidence, the c.65G>A (p.Arg22Gln) variant is classified as likely pathogenic.

Natera, Inc.
Classification: Pathogenic for Charcot-Marie-Tooth disease. Last evaluated: 2020-09-16. Review status: no assertion criteria provided. Collection method: clinical testing. Allele origin: germline. Not counted in ClinVar's aggregate classification.

Inherited Neuropathy Consortium Ii, University Of Miami
Classification: Uncertain significance for Charcot-Marie-Tooth disease X-linked dominant 1. Last evaluated: 2016-01-06. Review status: no assertion criteria provided. Collection method: literature only. Allele origin: germline. Affected: yes. Not counted in ClinVar's aggregate classification.

Inherited Neuropathy Consortium
Classification: Uncertain significance for Charcot-Marie-Tooth disease. Review status: no assertion criteria provided. Collection method: literature only. Allele origin: germline. Affected: yes. Not counted in ClinVar's aggregate classification.

Literature cited by the submitters: PubMed 7580242 (cited by 5 submitters); PubMed 8737658 (cited by Labcorp Genetics (formerly Invitae), Labcorp); PubMed 9272161 (cited by 6 submitters); PubMed 9600589 (cited by 3 submitters); PubMed 9633821 (cited by Labcorp Genetics (formerly Invitae), Labcorp and Inherited Neuropathy Consortium Ii, University Of Miami); PubMed 10521546 (cited by Labcorp Genetics (formerly Invitae), Labcorp and Ambry Genetics); PubMed 11835375 (cited by 3 submitters); PubMed 12542510 (cited by 5 submitters); PubMed 17353473 (cited by Labcorp Genetics (formerly Invitae), Labcorp); PubMed 26454100 (cited by 3 submitters); PubMed 11393532 (cited by 4 submitters); PubMed 15006706 (cited by 4 submitters); PubMed 32941234 (cited by 3billion); PubMed 22464564 (cited by Athena Diagnostics); PubMed 8800924 (cited by Athena Diagnostics); PubMed 19062535 (cited by Athena Diagnostics); PubMed 19259128 (cited by Athena Diagnostics); PubMed 32376792 (cited by Mayo Clinic Laboratories, Mayo Clinic); PubMed 9592087 (cited by Mayo Clinic Laboratories, Mayo Clinic); PubMed 18358413 (cited by Molecular Genetics, Royal Melbourne Hospital); PubMed 29998508 (cited by Molecular Genetics, Royal Melbourne Hospital); PubMed 33314704 (cited by Molecular Genetics, Royal Melbourne Hospital).